The following is an entry in ClinVar:

ClinVar aggregate classification (germline): Conflicting classifications of pathogenicity. Review status: criteria provided, conflicting classifications (1 of 4 stars). 2 submissions from 2 submitters: Uncertain significance (1); Likely benign (1). Last evaluated 2024-12-13.

Conditions:
MYH7B-related disorder. Also called: MYH7B-related condition.

gnomAD v4.1: 85 of 1,550,128 alleles (0.0055%); highest among the groups gnomAD compares: East Asian, 0.022%; 1 homozygote.

Submissions (3):

PreventionGenetics, part of Exact Sciences
Classification: Likely benign for MYH7B-related condition. Last evaluated: 2024-12-13. Review status: criteria provided, single submitter. Criteria: ACMG Guidelines, 2015. Collection method: clinical testing. Allele origin: germline.
Comment: This variant is classified as likely benign based on ACMG/AMP sequence variant interpretation guidelines (Richards et al. 2015 PMID: 25741868, with internal and published modifications).

Labcorp Genetics (formerly Invitae), Labcorp
Classification: Uncertain significance. Last evaluated: 2024-09-03. Review status: criteria provided, single submitter. Criteria: Invitae Variant Classification Sherloc (09022015). Collection method: clinical testing. Allele origin: germline.
Comment: This sequence change falls in intron 31 of the MYH7B gene. It does not directly change the encoded amino acid sequence of the MYH7B protein. It affects a nucleotide within the consensus splice site. The frequency data for this variant in the population databases is considered unreliable, as metrics indicate poor data quality at this position in the gnomAD database. This variant has not been reported in the literature in individuals affected with MYH7B-related conditions. Variants that disrupt the consensus splice site are a relatively common cause of aberrant splicing (PMID: 17576681, 9536098). Algorithms developed to predict the effect of sequence changes on RNA splicing suggest that this variant is not likely to affect RNA splicing. In summary, the available evidence is currently insufficient to determine the role of this variant in disease. Therefore, it has been classified as a Variant of Uncertain Significance.

Dr. Peter K. Rogan Lab, Western University
No classification provided (evidence only). Condition: Malignant tumor of esophagus. Review status: no classification provided. Collection method: in vitro. Allele origin: not applicable. Functional consequence: retained intron. Not counted in ClinVar's aggregate classification.

Literature cited by the submitters: PubMed 17576681 (cited by Labcorp Genetics (formerly Invitae), Labcorp); PubMed 9536098 (cited by Labcorp Genetics (formerly Invitae), Labcorp).

NM_020884.7(MYH7B):c.3357+5G>A

Gene: MYH7B (myosin heavy chain 7B; plus strand). Cytogenetic location: 20q11.22.
Variant type: single nucleotide variant.
Coding change: c.3357+5G>A on transcript NM_020884.7 (MANE Select); 5 bases into the intron after coding-DNA position 3357, G replaced by A.
Molecular consequence: intron variant.
Genome position (GRCh38, 1-based): chr20:34,997,178, G>A. VCF-style: chr20-34997178-G-A. GRCh37 (hg19) VCF-style: chr20-33584981-G-A.
Other names: c.3483+5G>A (NM_020884.4).
Identifiers: ClinVar variation 3642328 (VCV003642328.4).